The following is an entry in ClinVar:

NM_003366.4(UQCRC2):c.514+1G>A

Genes: PDZD9 (PDZ domain containing 9), UQCRC2 (ubiquinol-cytochrome c reductase core protein 2). Cytogenetic location: 16p12.2.
Variant type: single nucleotide variant.
Coding change: c.514+1G>A on transcript NM_003366.4 (MANE Select); the canonical splice donor site of the intron after coding-DNA position 514, G replaced by A.
Molecular consequence: splice donor variant.
Genome position (GRCh38, 1-based): chr16:21,962,886, G>A. VCF-style: chr16-21962886-G-A. GRCh37 (hg19) VCF-style: chr16-21974207-G-A.
Identifiers: ClinVar variation 4886380 (VCV004886380.2).

ClinVar aggregate classification (germline): Likely pathogenic (1 of 4 stars; one submission).

gnomAD v4.1: 7 of 1,613,526 alleles (0.00043%); highest among the groups gnomAD compares: African/African-American, 0.0027%; no homozygotes.

Submission:

Dasa
Classification: Likely pathogenic. Last evaluated: 2026-03-03. Review status: criteria provided, single submitter. Criteria: DASA Assertion Criteria. Collection method: clinical testing. Allele origin: germline.
Comment: NM_003366.4(UQCRC2):c.514+1G>A affects a canonical splice site and is predicted to disrupt normal RNA splicing. Loss of function is an established disease mechanism for UQCRC2-associated disorders. Also, this variant is rare in population databases. Based on the currently available evidence, this variant is classified as likely pathogenic.